The following is an entry in ClinVar:

ClinVar aggregate classification (germline): Uncertain significance. Review status: criteria provided, multiple submitters, no conflicts (2 of 4 stars). 2 submissions from 2 submitters: Uncertain significance (2). Last evaluated 2022-12-07.

Conditions:
DICER1-related tumor predisposition. Also called: DICER1 syndrome; DICER1-related pleuropulmonary blastoma cancer predisposition syndrome. Identifiers: Orphanet 284343, MedGen C3839822, MONDO:0100216.
Hereditary cancer-predisposing syndrome. Also called: Neoplastic Syndromes, Hereditary; Tumor predisposition; Hereditary Cancer Syndrome; Hereditary neoplastic syndrome. Identifiers: Orphanet 140162, MedGen C0027672, MeSH D009386, MONDO:0015356.

Submissions (2):

Labcorp Genetics (formerly Invitae), Labcorp
Classification: Uncertain significance for DICER1-related tumor predisposition. Last evaluated: 2022-12-07. Review status: criteria provided, single submitter. Criteria: Invitae Variant Classification Sherloc (09022015). Collection method: clinical testing. Allele origin: germline.
Comment: This sequence change replaces arginine, which is basic and polar, with lysine, which is basic and polar, at codon 1090 of the DICER1 protein (p.Arg1090Lys). This variant also falls at the last nucleotide of exon 20, which is part of the consensus splice site for this exon. This variant is not present in population databases (gnomAD no frequency). This variant has not been reported in the literature in individuals affected with DICER1-related conditions. ClinVar contains an entry for this variant (Variation ID: 1729590). Algorithms developed to predict the effect of missense changes on protein structure and function are either unavailable or do not agree on the potential impact of this missense change (SIFT: "Tolerated"; PolyPhen-2: "Possibly Damaging"; Align-GVGD: "Class C0"). Variants that disrupt the consensus splice site are a relatively common cause of aberrant splicing (PMID: 17576681, 9536098). Algorithms developed to predict the effect of sequence changes on RNA splicing suggest that this variant may disrupt the consensus splice site. In summary, the available evidence is currently insufficient to determine the role of this variant in disease. Therefore, it has been classified as a Variant of Uncertain Significance.

Ambry Genetics
Classification: Uncertain significance for Hereditary cancer-predisposing syndrome. Last evaluated: 2020-01-27. Review status: criteria provided, single submitter. Criteria: Ambry Variant Classification Scheme 2023. Collection method: clinical testing. Allele origin: germline.
Comment: The p.R1090K variant (also known as c.3269G>A), located in coding exon 19 of the DICER1 gene, results from a G to A substitution at nucleotide position 3269. The amino acid change results in arginine to lysine at codon 1090, an amino acid with highly similar properties. However, this change occurs in the last base pair of coding exon 19, which makes it likely to have some effect on normal mRNA splicing. This amino acid position is highly conserved in available vertebrate species. Using the BDGP splice site prediction tool, this alteration is predicted to abolish the native splice donor site. Using the ESEfinder splice site prediction tool, this alteration is predicted to weaken the native splice donor site efficiency. Since supporting evidence is limited at this time, the clinical significance of this alteration remains unclear.

Literature cited by the submitters: PubMed 17576681 (cited by Labcorp Genetics (formerly Invitae), Labcorp); PubMed 9536098 (cited by Labcorp Genetics (formerly Invitae), Labcorp).

NM_177438.3(DICER1):c.3269G>A (p.Arg1090Lys)

Gene: DICER1 (dicer 1, ribonuclease III; minus strand). Cytogenetic location: 14q32.13.
Variant type: single nucleotide variant.
Coding change: c.3269G>A on transcript NM_177438.3 (MANE Select); coding-DNA position 3269, G replaced by A.
Protein change: p.Arg1090Lys; replaces arginine 1090 with lysine.
Molecular consequence: missense variant. On other transcripts: non-coding transcript variant (6).
Genome position (GRCh38, 1-based): chr14:95,105,071, C>T on the plus strand (G>A on the coding strand, the complement: DICER1 is on the minus strand). VCF-style: chr14-95105071-C-T. GRCh37 (hg19) VCF-style: chr14-95571408-C-T.
Other names: c.3269G>A, p.Arg1090Lys (NM_001195573.1, NM_001271282.3, NM_001291628.2 and 13 more transcripts); c.2987G>A, p.Arg996Lys (NM_001395686.1); c.2864G>A, p.Arg955Lys (NM_001395687.1, NM_001395688.1, NM_001395689.1 and 2 more transcripts); c.2702G>A, p.Arg901Lys (NM_001395691.1); c.1586G>A, p.Arg529Lys (NM_001395697.1); short protein forms R901K, R1090K, R529K, R955K, R996K.
Identifiers: ClinVar variation 1729590 (VCV001729590.5), dbSNP rs2542750051, ClinGen allele CA390876222.
Genomic context (GRCh38, chr14:95,105,071, plus strand): 5'-GTTCTTTTGCAAACAGGATCTCATGATCTGTGTTCTTTCTGGCTGACTGCACAGGCATAC[C>T]TAAAATCCGCAGGAAGTGATCTGACTCCCACGCCAGCATCGCTGGCAGTCTGGGCTCTTA-3'
Protein context (NP_803187.1, residues 1080-1100): VGVRSLPADF[Arg1090Lys]YPNLDFGWKK